The following is an entry in ClinVar:

ClinVar aggregate classification (germline): Pathogenic (1 of 4 stars; one submission).

Conditions:
Fraser syndrome 1 (FRASRS1). Also called: CRYPTOPHTHALMOS WITH OTHER MALFORMATIONS. Identifiers: Orphanet 2052, MedGen C4551480, MONDO:0054737, OMIM 219000.

Submission:

School of Computer Science, University of Waterloo
Classification: Pathogenic for Fraser syndrome 1. Last evaluated: 2021-05-06. Review status: criteria provided, single submitter. Criteria: ACMG Guidelines, 2015. Collection method: clinical testing. Allele origin: germline. Affected: no. Observed: 14 variant alleles.
Comment: Evidence categories PVS1, PM2 and PM4 in ACMG guidelines. This is a stop-gained variant in gene FRAS1, which causes a premature termination codon NP_079350.5:p.Lys2068Ter. Two other stop-gained, loss-of-function variants in the same gene have been reported in ClinVar (435260, 197861).

NM_025074.7(FRAS1):c.6202A>T (p.Lys2068Ter)

Gene: FRAS1 (Fraser extracellular matrix complex subunit 1; plus strand). Cytogenetic location: 4q21.21.
Variant type: single nucleotide variant.
Coding change: c.6202A>T on transcript NM_025074.7 (MANE Select); coding-DNA position 6202, A replaced by T.
Protein change: p.Lys2068Ter; replaces lysine 2068 with a stop codon.
Molecular consequence: nonsense.
Genome position (GRCh38, 1-based): chr4:78,448,244, A>T. VCF-style: chr4-78448244-A-T. GRCh37 (hg19) VCF-style: chr4-79369398-A-T.
Other names: short protein forms K2068*.
Identifiers: ClinVar variation 1065638 (VCV001065638.2), dbSNP rs1578330963, ClinGen allele CA357393596.
Genomic context (GRCh38, chr4:78,448,244, plus strand): 5'-GTCGTGGATGAGTTCCAGTTCTCCCTCACTGATGGCCTCCACGTGGACACAGGGAGGATG[A>T]AGATCTACACAGAACTGCCTGCAAGTGACACACCTCACTTGGCTATAAACCAAGGCCTAC-3'